The following is an entry in ClinVar:

ClinVar aggregate classification (germline): Uncertain significance. Review status: criteria provided, multiple submitters, no conflicts (2 of 4 stars). 2 submissions from 2 submitters: Uncertain significance (2). Last evaluated 2024-02-20.

Conditions:
Neurofibromatosis, type 1 (NF1). Also called: NEUROFIBROMATOSIS, TYPE I, SOMATIC; Peripheral type neurofibromatosis; VON RECKLINGHAUSEN DISEASE; Neurofibromatosis, type I. Identifiers: Orphanet 636, MedGen C0027831, MONDO:0018975, OMIM 162200. Disease mechanism: loss of function.
Hereditary cancer-predisposing syndrome. Also called: Hereditary neoplastic syndrome; Neoplastic Syndromes, Hereditary; Tumor predisposition; Hereditary Cancer Syndrome. Identifiers: Orphanet 140162, MedGen C0027672, MeSH D009386, MONDO:0015356.
Cardiovascular phenotype. Identifiers: MedGen CN230736.

Submissions (2):

Ambry Genetics
Classification: Uncertain significance for Cardiovascular phenotype; Hereditary cancer-predisposing syndrome. Last evaluated: 2024-02-20. Review status: criteria provided, single submitter. Criteria: Ambry Variant Classification Scheme 2023. Collection method: clinical testing. Allele origin: germline.
Comment: The p.H2794Y variant (also known as c.8380C>T), located in coding exon 57 of the NF1 gene, results from a C to T substitution at nucleotide position 8380. The histidine at codon 2794 is replaced by tyrosine, an amino acid with similar properties. This amino acid position is conserved. In addition, the in silico prediction for this alteration is inconclusive. Based on the available evidence, the clinical significance of this alteration remains unclear.

Labcorp Genetics (formerly Invitae), Labcorp
Classification: Uncertain significance for Neurofibromatosis, type 1. Last evaluated: 2017-12-31. Review status: criteria provided, single submitter. Criteria: Invitae Variant Classification Sherloc (09022015). Collection method: clinical testing. Allele origin: germline.
Comment: This sequence change replaces histidine with tyrosine at codon 2794 of the NF1 protein (p.His2794Tyr). The histidine residue is highly conserved and there is a moderate physicochemical difference between histidine and tyrosine. In summary, the available evidence is currently insufficient to determine the role of this variant in disease. Therefore, it has been classified as a Variant of Uncertain Significance. Algorithms developed to predict the effect of missense changes on protein structure and function do not agree on the potential impact of this missense change (SIFT: "Deleterious"; PolyPhen-2: "Benign"; Align-GVGD: "Class C0"). This variant has not been reported in the literature in individuals with NF1-related disease. This variant is not present in population databases (ExAC no frequency).

NM_001042492.3(NF1):c.8443C>T (p.His2815Tyr)

Gene: NF1 (neurofibromin 1; plus strand). Cytogenetic location: 17q11.2.
Variant type: single nucleotide variant.
Coding change: c.8443C>T on transcript NM_001042492.3 (MANE Select); coding-DNA position 8443, C replaced by T.
Protein change: p.His2815Tyr; replaces histidine 2815 with tyrosine.
Molecular consequence: missense variant.
Genome position (GRCh38, 1-based): chr17:31,374,078, C>T. VCF-style: chr17-31374078-C-T. GRCh37 (hg19) VCF-style: chr17-29701096-C-T.
Other names: c.8380C>T, p.His2794Tyr (NM_000267.4); short protein forms H2794Y, H2815Y.
Identifiers: ClinVar variation 1000709 (VCV001000709.6), dbSNP rs2070696484, ClinGen allele CA399205987.